The following is an entry in ClinVar:

ClinVar aggregate classification (germline): Uncertain significance (1 of 4 stars; one submission).

gnomAD v4.1: 1 of 1,613,746 alleles (0.000062%); highest among the groups gnomAD compares: Non-Finnish European, 0.000085%; no homozygotes.

Submission:

GeneDx
Classification: Uncertain significance. Last evaluated: 2020-10-13. Review status: criteria provided, single submitter. Criteria: GeneDx Variant Classification Process June 2021. Collection method: clinical testing. Allele origin: germline. Affected: yes.
Comment: Has not been previously published as pathogenic or benign to our knowledge; Not observed in large population cohorts (Lek et al., 2016); In silico analysis supports that this missense variant does not alter protein structure/function

NM_004370.6(COL12A1):c.2224A>T (p.Thr742Ser)

Gene: COL12A1 (collagen type XII alpha 1 chain; minus strand). Cytogenetic location: 6q13.
Variant type: single nucleotide variant.
Coding change: c.2224A>T on transcript NM_004370.6 (MANE Select); coding-DNA position 2224, A replaced by T.
Protein change: p.Thr742Ser; replaces threonine 742 with serine.
Molecular consequence: missense variant. On other transcripts: intron variant (1).
Genome position (GRCh38, 1-based): chr6:75,177,876, T>A on the plus strand (A>T on the coding strand, the complement: COL12A1 is on the minus strand). VCF-style: chr6-75177876-T-A. GRCh37 (hg19) VCF-style: chr6-75887592-T-A.
Other names: c.73+24844A>T (NM_080645.3); short protein forms T742S.
Identifiers: ClinVar variation 1318781 (VCV001318781.2), dbSNP rs2149457025, ClinGen allele CA364764386.